The following is an entry in ClinVar:

NM_004004.6(GJB2):c.181A>C (p.Lys61Gln)

Gene: GJB2 (gap junction protein beta 2; minus strand). Cytogenetic location: 13q12.11.
Variant type: single nucleotide variant.
Coding change: c.181A>C on transcript NM_004004.6 (MANE Select); coding-DNA position 181, A replaced by C.
Protein change: p.Lys61Gln; replaces lysine 61 with glutamine.
Molecular consequence: missense variant.
Genome position (GRCh38, 1-based): chr13:20,189,401, T>G on the plus strand (A>C on the coding strand, the complement: GJB2 is on the minus strand). VCF-style: chr13-20189401-T-G. GRCh37 (hg19) VCF-style: chr13-20763540-T-G.
Other names: short protein forms K61Q.
Identifiers: ClinVar variation 4856989 (VCV004856989.1).

ClinVar aggregate classification (germline): VUS-low (1 of 4 stars; one submission).

Conditions:
Autosomal recessive nonsyndromic hearing loss 1A (DFNB1A). Also called: Connexin 26 deafness; Deafness nonsyndromic, Connexin 26 linked; GJB6-Related DFNB 1 Nonsyndromic Hearing Loss and Deafness; Deafness, autosomal recessive 1A; Nonsyndromic Hearing Loss and Deafness, DFNB1; GJB2-Related Autosomal Recessive Nonsyndromic Hearing Loss. Identifiers: Orphanet 90636, MedGen C2673759, MONDO:0009076, OMIM 220290.

Submission:

Department of Otorhinolaryngology, Head and Neck Surgery, Xinhua Hospital, Shanghai Jiao Tong University School of Medicine
Classification: VUS-low for Autosomal recessive nonsyndromic hearing loss 1A. Last evaluated: 2026-06-07. Review status: criteria provided, single submitter. Criteria: ACMG Guidelines, 2015. Collection method: clinical testing. Allele origin: germline. Affected: yes.
Comment: PM2